The following is an entry in ClinVar:

ClinVar aggregate classification (germline): Uncertain significance (1 of 4 stars; one submission).

Conditions:
Catecholaminergic polymorphic ventricular tachycardia 1. Also called: VENTRICULAR TACHYCARDIA, CATECHOLAMINERGIC POLYMORPHIC, 1, WITH OR WITHOUT ATRIAL DYSFUNCTION AND/OR DILATED CARDIOMYOPATHY; VENTRICULAR TACHYCARDIA, STRESS-INDUCED POLYMORPHIC 1; RYR2-Related Catecholaminergic Polymorphic Ventricular Tachycardia. Identifiers: Orphanet 3286, MedGen C1631597, MONDO:0011484, OMIM 604772.

Submission:

Labcorp Genetics (formerly Invitae), Labcorp
Classification: Uncertain significance for Catecholaminergic polymorphic ventricular tachycardia 1. Last evaluated: 2021-01-07. Review status: criteria provided, single submitter. Criteria: Invitae Variant Classification Sherloc (09022015). Collection method: clinical testing. Allele origin: germline.
Comment: In summary, the available evidence is currently insufficient to determine the role of this variant in disease. Therefore, it has been classified as a Variant of Uncertain Significance. Nucleotide substitutions within the consensus splice site are a relatively common cause of aberrant splicing (PMID: 17576681, 9536098). Algorithms developed to predict the effect of sequence changes on RNA splicing suggest that this variant is not likely to affect RNA splicing, but this prediction has not been confirmed by published transcriptional studies. This variant has not been reported in the literature in individuals with RYR2-related conditions. This variant is not present in population databases (ExAC no frequency). This sequence change falls in intron 67 of the RYR2 gene. It does not directly change the encoded amino acid sequence of the RYR2 protein. It affects a nucleotide within the consensus splice site of the intron.

Literature cited by the submitters: PubMed 17576681; PubMed 9536098.

NM_001035.3(RYR2):c.9580+6A>C

Gene: RYR2 (ryanodine receptor 2; plus strand). Cytogenetic location: 1q43.
Variant type: single nucleotide variant.
Coding change: c.9580+6A>C on transcript NM_001035.3 (MANE Select); 6 bases into the intron after coding-DNA position 9580, A replaced by C.
Molecular consequence: intron variant.
Genome position (GRCh38, 1-based): chr1:237,705,349, A>C. VCF-style: chr1-237705349-A-C. GRCh37 (hg19) VCF-style: chr1-237868649-A-C.
Identifiers: ClinVar variation 1348520 (VCV001348520.7), dbSNP rs2149050610, ClinGen allele CA2573132872.